The following is an entry in ClinVar:

ClinVar aggregate classification (germline): Conflicting classifications of pathogenicity. Review status: criteria provided, conflicting classifications (1 of 4 stars). 10 submissions from 10 submitters: Pathogenic (5); Likely pathogenic (3); Uncertain significance (1). 1 of the submissions does not count toward it. Last evaluated 2025-11-23.

Conditions:
Anterior segment dysgenesis. Also called: Ocular anterior segment dysgenesis. Identifiers: Orphanet 88632, MedGen C1862839, MONDO:0019503, HP:0007700.
Congenital primary aphakia. Also called: ANTERIOR SEGMENT DYSGENESIS 2; Anterior segment dysgenesis 2, multiple subtypes. Identifiers: Orphanet 83461, MedGen C1853230, MONDO:0012456, OMIM 610256.
Cataract 34 multiple types. Also called: CATARACT 34, MULTIPLE TYPES, WITH OR WITHOUT MICROCORNEA. Identifiers: Orphanet 91492, MedGen C2751822, MONDO:0013067, OMIM 612968.
Cardiovascular phenotype. Identifiers: MedGen CN230736.
FOXE3-related disorder. Also called: FOXE3-related condition.

Allele frequency attached by ClinVar (database versions not stated): gnomAD 0.00005 and 0.00006; TOPMed 0.00007; gnomAD exomes 0.00009 and 0.00010; ExAC 0.00015.

Submissions (10):

Labcorp Genetics (formerly Invitae), Labcorp
Classification: Pathogenic for Anterior segment dysgenesis; Congenital primary aphakia. Last evaluated: 2025-11-23. Review status: criteria provided, single submitter. Criteria: Invitae Variant Classification Sherloc (09022015). Collection method: clinical testing. Allele origin: germline.
Comment: This sequence change replaces methionine, which is neutral and non-polar, with valine, which is neutral and non-polar, at codon 82 of the FOXE3 protein (p.Met82Val). This variant is present in population databases (rs746531116, gnomAD 0.02%). This missense change has been observed in individuals with autosomal recessive aphakia and related eye anomalies (PMID: 19708017, 29136273, 29314435). It has also been observed to segregate with disease in related individuals. ClinVar contains an entry for this variant (Variation ID: 667373). Invitae Evidence Modeling of protein sequence and biophysical properties (such as structural, functional, and spatial information, amino acid conservation, physicochemical variation, residue mobility, and thermodynamic stability) indicates that this missense variant is expected to disrupt FOXE3 protein function with a positive predictive value of 95%. For these reasons, this variant has been classified as Pathogenic.

Blueprint Genetics
Classification: Likely pathogenic for FOXE3-related disorders. Last evaluated: 2024-11-20. Review status: criteria provided, single submitter. Criteria: ACMG Guidelines, 2015. Collection method: clinical testing. Allele origin: germline. Affected: yes. Observed: 5 variant alleles.

Ambry Genetics
Classification: Uncertain significance for Cardiovascular phenotype. Last evaluated: 2024-09-28. Review status: criteria provided, single submitter. Criteria: Ambry Variant Classification Scheme 2023. Collection method: clinical testing. Allele origin: germline.
Comment: The p.M82V variant (also known as c.244A>G), located in coding exon 1 of the FOXE3 gene, results from an A to G substitution at nucleotide position 244. The methionine at codon 82 is replaced by valine, an amino acid with highly similar properties. This variant has been identified in the homozygous state and/or in conjunction with other FOXE3 variant(s) in individual(s) with features consistent with autosomal recessive FOXE3-realted ocular developmental disorder and segregated with disease in at least one family (Iseri SU et al. Hum Mutat, 2009 Oct;30:1378-86; Reis LM et al. Am J Med Genet A, 2010 Mar;152A:582-90; Islam L et al. Hum Mutat, 2015 Mar;36:296-300; Plaisanci&eacute; J et al. Clin Genet, 2018 Apr;93:837-845; Quiroz-Casian N et al. Cornea, 2018 Sep;37:1178-1181; Reis LM et al. Hum Mol Genet, 2021 Aug;30:1591-1606). This amino acid position is highly conserved in available vertebrate species. In addition, this alteration is predicted to be deleterious by in silico analysis. Based on the majority of available evidence to date, this variant is likely to be pathogenic for autosomal recessive FOXE3-realted ocular developmental disorder; however, its clinical significance for autosomal dominant FOXE3-realted ocular developmental disorder is uncertain.

Revvity Omics, Revvity
Classification: Pathogenic. Last evaluated: 2024-08-12. Review status: criteria provided, single submitter. Criteria: ACMG Guidelines, 2015. Collection method: clinical testing. Allele origin: germline.

Molecular Medicine, University of Pavia
Classification: Likely pathogenic for Cataract 34 multiple types. Last evaluated: 2023-07-28. Review status: criteria provided, single submitter. Criteria: ACMG Guidelines, 2015. Collection method: research. Allele origin: paternal. Affected: yes. Observed: 1 variant allele.

PreventionGenetics, part of Exact Sciences
Classification: Pathogenic for FOXE3-related condition. Last evaluated: 2023-04-13. Review status: criteria provided, single submitter. Criteria: ACMG Guidelines, 2015. Collection method: clinical testing. Allele origin: germline.
Comment: The FOXE3 c.244A>G variant is predicted to result in the amino acid substitution p.Met82Val. This variant was reported in the homozygous and compound heterozygous states in multiple individuals with autosomal recessive anterior segment dysgenesis (Iseri et al. 2009. PubMed ID: 19708017; Plaisancié et al. 2018. PubMed ID: 29136273; Reis et al. 2010. PubMed ID: 20140963). This variant is reported in 0.018% of alleles in individuals of Latino descent in gnomAD. This variant is interpreted as pathogenic.

MGZ Medical Genetics Center
Classification: Pathogenic for Congenital primary aphakia. Last evaluated: 2022-06-17. Review status: criteria provided, single submitter. Criteria: ACMG Guidelines, 2015. Collection method: clinical testing. Allele origin: germline. Affected: yes. Observed: 2 variant alleles.
Comment: ACMG criteria applied: PS4, PM3, PP1_MOD, PM2_SUP, PP3

Laboratory for Molecular Medicine, Mass General Brigham Personalized Medicine
Classification: Likely pathogenic for Congenital primary aphakia. Last evaluated: 2018-12-27. Review status: criteria provided, single submitter. Criteria: LMM Criteria. Collection method: clinical testing. Allele origin: germline. Inheritance: Autosomal recessive inheritance. Observed: 1 variant allele.
Comment: The p.Met82Val variant in FOXE3 has been reported in 3 compound heterozygous and 2 homozygous individuals with anterior segment dysgenesis and segregated with d isease in 6 affected individuals from 2 families (Iseri 2009, Reis 2010, Plaisan cie 2018, Quiroz-Casian 2018). It has also been identified in 6/32834 of Latino chromosomes by gnomAD. Although this variant has been seen in the general population, its frequency is low enough to be consi stent with a recessive carrier frequency. Computational prediction tools and con servation analysis suggest that the p.Met82Val variant may impact the protein, t hough this information is not predictive enough to determine pathogenicity. In s ummary, although additional studies are required to fully establish its clinical significance, this variant meets criteria to be classified as likely pathogenic for autosomal recessive anterior segment dysgenesis. ACMG/AMP criteria applied: PM3_Strong, PP1_Moderate, PM2_Supporting, PP3.

CeGaT Center for Human Genetics Tuebingen
Classification: Pathogenic. Last evaluated: 2017-05-01. Review status: criteria provided, single submitter. Criteria: CeGaT Center For Human Genetics Tuebingen Variant Classification Criteria Version 2. Collection method: clinical testing. Allele origin: germline. Affected: yes. Observed: 1 variant allele.

Genomics, Genetics and Epigenetics Laboratory, Medical College of Wisconsin
Classification: Pathogenic for Congenital primary aphakia. Last evaluated: 2021-05-01. Review status: no assertion criteria provided. Collection method: research. Allele origin: germline. Affected: yes. Not counted in ClinVar's aggregate classification.

Literature cited by the submitters: PubMed 19708017 (cited by 3 submitters); PubMed 29136273 (cited by 3 submitters); PubMed 29314435 (cited by Labcorp Genetics (formerly Invitae), Labcorp); PubMed 20140963 (cited by Ambry Genetics and Laboratory for Molecular Medicine, Mass General Brigham Personalized Medicine); PubMed 25504734 (cited by Ambry Genetics); PubMed 29878917 (cited by Ambry Genetics and Laboratory for Molecular Medicine, Mass General Brigham Personalized Medicine); PubMed 34046667 (cited by Ambry Genetics and Genomics, Genetics and Epigenetics Laboratory, Medical College of Wisconsin).

NM_012186.3(FOXE3):c.244A>G (p.Met82Val)

Genes: FOXE3 (forkhead box E3; plus strand), LINC01389 (long independently transcribed non-coding RNA 1389; minus strand). Cytogenetic location: 1p33.
Variant type: single nucleotide variant.
Coding change: c.244A>G on transcript NM_012186.3 (MANE Select); coding-DNA position 244, A replaced by G.
Protein change: p.Met82Val; replaces methionine 82 with valine.
Molecular consequence: missense variant.
Genome position (GRCh38, 1-based): chr1:47,416,559, A>G. VCF-style: chr1-47416559-A-G. GRCh37 (hg19) VCF-style: chr1-47882231-A-G.
Other names: short protein forms M82V.
Identifiers: ClinVar variation 667373 (VCV000667373.72), dbSNP rs746531116, ClinGen allele CA842920.
Genomic context (GRCh38, chr1:47,416,559, plus strand): 5'-CGGCGGCGGCGGCCCCTGCAGCGCGGGAAGCCGCCCTACTCGTACATCGCGCTCATCGCC[A>G]TGGCTCTGGCGCACGCCCCGGGCCGCCGCCTCACGCTGGCCGCCATCTACCGCTTCATCA-3'
Protein context (NP_036318.1, residues 72-92): PPYSYIALIA[Met82Val]ALAHAPGRRL